The following is an entry in ClinVar:

NM_024753.5(TTC21B):c.3850G>C (p.Asp1284His)

Gene: TTC21B (tetratricopeptide repeat domain 21B; minus strand). Cytogenetic location: 2q24.3.
Variant type: single nucleotide variant.
Coding change: c.3850G>C on transcript NM_024753.5 (MANE Select); coding-DNA position 3850, G replaced by C.
Protein change: p.Asp1284His; replaces aspartic acid 1284 with histidine.
Molecular consequence: missense variant.
Genome position (GRCh38, 1-based): chr2:165,876,188, C>G on the plus strand (G>C on the coding strand, the complement: TTC21B is on the minus strand). VCF-style: chr2-165876188-C-G. GRCh37 (hg19) VCF-style: chr2-166732698-C-G.
Other names: p.Asp1284His; short protein forms D1284H.
Identifiers: ClinVar variation 1571151 (VCV001571151.14), dbSNP rs139537546, ClinGen allele CA1941375.

ClinVar aggregate classification (germline): Conflicting classifications of pathogenicity. Review status: criteria provided, conflicting classifications (1 of 4 stars). 5 submissions from 5 submitters: Uncertain significance (2); Likely benign (2). 1 of the submissions does not count toward it. Last evaluated 2025-12-15.

Conditions:
Jeune thoracic dystrophy. Also called: Short-rib thoracic dysplasia; Jeune syndrome; Infantile thoracic dystrophy; Thoracic pelvic phalangeal dystrophy; Jeune's syndrome; Chondroectodermal dysplasia-like syndrome. Identifiers: Orphanet 474, MedGen C0265275, MONDO:0018770.
Nephronophthisis. Also called: Juvenile Nephronophthisis. Identifiers: Orphanet 655, MedGen C0687120, MONDO:0019005, HP:0000090.
TTC21B-related disorder. Also called: TTC21B-related disorders; TTC21B-related condition.

Allele frequency attached by ClinVar (database versions not stated): ExAC 0.00017; gnomAD 0.00059 and 0.00063; TOPMed 0.00060; ESP Exome Variant Server 0.00062; 1000 Genomes Project 30x 0.00078; 1000 Genomes Project 0.00100.
gnomAD v4.1: 168 of 1,603,678 alleles (0.01%); highest among the groups gnomAD compares: African/African-American, 0.21%; no homozygotes.

Submissions (5):

Labcorp Genetics (formerly Invitae), Labcorp
Classification: Likely benign for Jeune thoracic dystrophy; Nephronophthisis. Last evaluated: 2025-12-15. Review status: criteria provided, single submitter. Criteria: Invitae Variant Classification Sherloc (09022015). Collection method: clinical testing. Allele origin: germline.

GeneDx
Classification: Uncertain significance. Last evaluated: 2025-02-12. Review status: criteria provided, single submitter. Criteria: GeneDx Variant Classification Process June 2021. Collection method: clinical testing. Allele origin: germline. Affected: yes.
Comment: In silico analysis supports a deleterious effect on splicing; In silico analysis supports that this missense variant has a deleterious effect on protein structure/function; Has not been previously published as pathogenic or benign in association with TTC21B-related disorders to our knowledge; This variant is associated with the following publications: (PMID: 21258341)

Blueprint Genetics
Classification: Likely benign. Last evaluated: 2024-08-28. Review status: criteria provided, single submitter. Criteria: ACMG Guidelines, 2015. Collection method: clinical testing. Allele origin: germline.

Mayo Clinic Laboratories, Mayo Clinic
Classification: Uncertain significance. Last evaluated: 2023-12-21. Review status: criteria provided, single submitter. Criteria: ACMG Guidelines, 2015. Collection method: clinical testing. Allele origin: germline. Observed: 1 variant allele.
Comment: BS1

PreventionGenetics, part of Exact Sciences
Classification: Likely benign for TTC21B-related condition. Last evaluated: 2024-03-31. Review status: no assertion criteria provided. Collection method: clinical testing. Allele origin: germline. Not counted in ClinVar's aggregate classification.
Comment: This variant is classified as likely benign based on ACMG/AMP sequence variant interpretation guidelines (Richards et al. 2015 PMID: 25741868, with internal and published modifications).